The following is an entry in ClinVar:

ClinVar aggregate classification (germline): Uncertain significance. Review status: criteria provided, single submitter (1 of 4 stars). 3 submissions from 3 submitters: Uncertain significance (1). 2 of the submissions do not count toward it. Last evaluated 2018-10-15.

Conditions:
Spinocerebellar ataxia 45. Identifiers: Orphanet 589527, MedGen C4540400, MONDO:0033480, OMIM 617769.

Allele frequency attached by ClinVar (database versions not stated): gnomAD exomes 0.00001; gnomAD 0.00001; TOPMed 0.00001 and 0.00002; ExAC 0.00001.
gnomAD v4.1: 6 of 1,614,098 alleles (0.00037%); highest among the groups gnomAD compares: Non-Finnish European, 0.00051%; no homozygotes.

Submissions (3):

SIB Swiss Institute of Bioinformatics
Classification: Uncertain significance for Spinocerebellar ataxia 45. Last evaluated: 2018-10-15. Review status: criteria provided, single submitter. Criteria: ACMG Guidelines, 2015. Collection method: curation. Allele origin: unknown.
Comment: This variant is interpreted as Uncertain Significance - Insufficient Evidence, for Spinocerebellar ataxia 45, autosomal dominant. The following ACMG Tag(s) were applied: PM2-Supporting => PM2 downgraded in strength to Supporting. PP3 => Multiple lines of computational evidence support a deleterious effect on the gene or gene product. PP1 => Cosegregation with disease in multiple affected family members in a gene definitively known to cause the disease (PubMed 29053796).

O&I group, Department of Genetics, University Medical Center of Groningen
Classification: Pathogenic for Spinocerebellar ataxia 45. Last evaluated: 2021-07-22. Review status: no assertion criteria provided. Collection method: research. Allele origin: de novo. Affected: yes. Not counted in ClinVar's aggregate classification.

OMIM
Classification: Pathogenic for SPINOCEREBELLAR ATAXIA 45. Last evaluated: 2017-11-16. Review status: no assertion criteria provided. Collection method: literature only. Allele origin: germline. Not counted in ClinVar's aggregate classification.

Literature cited by the submitters: PubMed 29053796 (cited by SIB Swiss Institute of Bioinformatics and OMIM); DOI 10.3389/fgene.2022.782685 (cited by O&I group, Department of Genetics, University Medical Center of Groningen).

NM_001447.3(FAT2):c.10758G>C (p.Lys3586Asn)

Genes: FAT2 (FAT atypical cadherin 2; minus strand), SLC36A1 (solute carrier family 36 member 1; plus strand). Cytogenetic location: 5q33.1.
Variant type: single nucleotide variant.
Coding change: c.10758G>C on transcript NM_001447.3 (MANE Select); coding-DNA position 10758, G replaced by C.
Protein change: p.Lys3586Asn; replaces lysine 3586 with asparagine.
Molecular consequence: missense variant.
Genome position (GRCh38, 1-based): chr5:151,521,835, C>G on the plus strand (G>C on the coding strand, the complement: FAT2 is on the minus strand). VCF-style: chr5-151521835-C-G. GRCh37 (hg19) VCF-style: chr5-150901396-C-G.
Other names: short protein forms K3586N.
Identifiers: ClinVar variation 446265 (VCV000446265.26), dbSNP rs770597316, ClinGen allele CA3520165.